The following is an entry in ClinVar:

NM_001098816.3(TENM4):c.3128C>T (p.Pro1043Leu)

Gene: TENM4 (teneurin transmembrane protein 4; minus strand). Cytogenetic location: 11q14.1.
Variant type: single nucleotide variant.
Coding change: c.3128C>T on transcript NM_001098816.3 (MANE Select); coding-DNA position 3128, C replaced by T.
Protein change: p.Pro1043Leu; replaces proline 1043 with leucine.
Molecular consequence: missense variant.
Genome position (GRCh38, 1-based): chr11:78,732,326, G>A on the plus strand (C>T on the coding strand, the complement: TENM4 is on the minus strand). VCF-style: chr11-78732326-G-A. GRCh37 (hg19) VCF-style: chr11-78443371-G-A.
Other names: c.3128C>T (NM_001098816.2); short protein forms P1043L.
Identifiers: ClinVar variation 1004357 (VCV001004357.9), dbSNP rs773642439, ClinGen allele CA6207125.

ClinVar aggregate classification (germline): Uncertain significance. Review status: criteria provided, multiple submitters, no conflicts (2 of 4 stars). 2 submissions from 2 submitters: Uncertain significance (2). Last evaluated 2025-04-20.

Allele frequency attached by ClinVar (database versions not stated): ExAC 0.00001; TOPMed 0.00001; gnomAD exomes 0.00002.
gnomAD v4.1: 27 of 1,593,890 alleles (0.0017%); highest among the groups gnomAD compares: Non-Finnish European, 0.0022%; no homozygotes.

Submissions (2):

Ambry Genetics
Classification: Uncertain significance. Last evaluated: 2025-04-20. Review status: criteria provided, single submitter. Criteria: Ambry Variant Classification Scheme 2023. Collection method: clinical testing. Allele origin: germline.

Labcorp Genetics (formerly Invitae), Labcorp
Classification: Uncertain significance. Last evaluated: 2024-02-09. Review status: criteria provided, single submitter. Criteria: Invitae Variant Classification Sherloc (09022015). Collection method: clinical testing. Allele origin: germline.
Comment: This sequence change replaces proline, which is neutral and non-polar, with leucine, which is neutral and non-polar, at codon 1043 of the TENM4 protein (p.Pro1043Leu). This variant is not present in population databases (gnomAD no frequency). This variant has not been reported in the literature in individuals affected with TENM4-related conditions. ClinVar contains an entry for this variant (Variation ID: 1004357). Advanced modeling of protein sequence and biophysical properties (such as structural, functional, and spatial information, amino acid conservation, physicochemical variation, residue mobility, and thermodynamic stability) performed at Invitae indicates that this missense variant is expected to disrupt TENM4 protein function with a positive predictive value of 80%. In summary, the available evidence is currently insufficient to determine the role of this variant in disease. Therefore, it has been classified as a Variant of Uncertain Significance.